The following is an entry in ClinVar:

NM_001849.4(COL6A2):c.2962C>G (p.Leu988Val)

Gene: COL6A2 (collagen type VI alpha 2 chain; plus strand). Cytogenetic location: 21q22.3.
Variant type: single nucleotide variant.
Coding change: c.2962C>G on transcript NM_001849.4 (MANE Select); coding-DNA position 2962, C replaced by G.
Protein change: p.Leu988Val; replaces leucine 988 with valine.
Molecular consequence: missense variant.
Genome position (GRCh38, 1-based): chr21:46,132,454, C>G. VCF-style: chr21-46132454-C-G. GRCh37 (hg19) VCF-style: chr21-47552368-C-G.
Other names: short protein forms L988V.
Identifiers: ClinVar variation 498961 (VCV000498961.8), dbSNP rs781544781, ClinGen allele CA321980282.

ClinVar aggregate classification (germline): Uncertain significance. Review status: criteria provided, multiple submitters, no conflicts (2 of 4 stars). 2 submissions from 2 submitters: Uncertain significance (2). Last evaluated 2022-11-13.

Conditions:
Bethlem myopathy 1A. Also called: Bethlem Muscular Dystrophy; MYOPATHY, BENIGN CONGENITAL, WITH CONTRACTURES; Bethlem myopathy 1. Identifiers: Orphanet 610, MedGen CN029274, MONDO:0024530, OMIM 158810.

Allele frequency attached by ClinVar (database versions not stated): TOPMed 0.00001.
gnomAD v4.1: 2 of 1,606,494 alleles (0.00012%); highest among the groups gnomAD compares: Middle Eastern, 0.033%; no homozygotes.

Submissions (2):

Labcorp Genetics (formerly Invitae), Labcorp
Classification: Uncertain significance for Bethlem myopathy 1A. Last evaluated: 2022-11-13. Review status: criteria provided, single submitter. Criteria: Invitae Variant Classification Sherloc (09022015). Collection method: clinical testing. Allele origin: germline.
Comment: This sequence change replaces leucine, which is neutral and non-polar, with valine, which is neutral and non-polar, at codon 988 of the COL6A2 protein (p.Leu988Val). This variant is not present in population databases (gnomAD no frequency). This missense change has been observed in individual(s) with clinical features of COL6A2-related conditions (PMID: 30564623). ClinVar contains an entry for this variant (Variation ID: 498961). Advanced modeling of protein sequence and biophysical properties (such as structural, functional, and spatial information, amino acid conservation, physicochemical variation, residue mobility, and thermodynamic stability) performed at Invitae indicates that this missense variant is not expected to disrupt COL6A2 protein function. In summary, the available evidence is currently insufficient to determine the role of this variant in disease. Therefore, it has been classified as a Variant of Uncertain Significance.

Eurofins Ntd Llc (ga)
Classification: Uncertain significance. Last evaluated: 2017-08-17. Review status: criteria provided, single submitter. Criteria: EGL Classification Definitions 2015. Collection method: clinical testing. Allele origin: germline. Observed: 2 variant alleles, 2 heterozygotes.

Literature cited by the submitters: PubMed 30564623 (cited by Labcorp Genetics (formerly Invitae), Labcorp).